The following is an entry in ClinVar:

NM_000283.4(PDE6B):c.1021G>A (p.Ala341Thr)

Gene: PDE6B (phosphodiesterase 6B; plus strand). Cytogenetic location: 4p16.3.
Variant type: single nucleotide variant.
Coding change: c.1021G>A on transcript NM_000283.4 (MANE Select); coding-DNA position 1021, G replaced by A.
Protein change: p.Ala341Thr; replaces alanine 341 with threonine.
Molecular consequence: missense variant. On other transcripts: intron variant (1).
Genome position (GRCh38, 1-based): chr4:655,968, G>A. VCF-style: chr4-655968-G-A. GRCh37 (hg19) VCF-style: chr4-649757-G-A.
Other names: c.1021G>A, p.Ala341Thr (NM_001145291.2); c.184G>A, p.Ala62Thr (NM_001145292.2, NM_001350154.3, NM_001379246.1 and 1 more transcripts); c.-48-906G>A (NM_001350155.3); c.1021G>A (NM_000283.3); short protein forms A62T, A341T.
Identifiers: ClinVar variation 2724648 (VCV002724648.4), dbSNP rs767066999, ClinGen allele CA2794289.

ClinVar aggregate classification (germline): Uncertain significance. Review status: criteria provided, multiple submitters, no conflicts (2 of 4 stars). 2 submissions from 2 submitters: Uncertain significance (2). Last evaluated 2023-09-21.

Conditions:
Inborn genetic diseases. Identifiers: MedGen C0950123, MeSH D030342.

Allele frequency attached by ClinVar (database versions not stated): ExAC 0.00001; gnomAD exomes 0.00001.
gnomAD v4.1: 20 of 1,611,422 alleles (0.0012%); highest among the groups gnomAD compares: Non-Finnish European, 0.0017%; no homozygotes.

Submissions (2):

Ambry Genetics
Classification: Uncertain significance for Inborn genetic diseases. Last evaluated: 2023-09-21. Review status: criteria provided, single submitter. Criteria: Ambry Variant Classification Scheme 2023. Collection method: clinical testing. Allele origin: germline.

Labcorp Genetics (formerly Invitae), Labcorp
Classification: Uncertain significance. Last evaluated: 2023-05-09. Review status: criteria provided, single submitter. Criteria: Invitae Variant Classification Sherloc (09022015). Collection method: clinical testing. Allele origin: germline.
Comment: This variant is present in population databases (rs767066999, gnomAD 0.002%). This sequence change replaces alanine, which is neutral and non-polar, with threonine, which is neutral and polar, at codon 341 of the PDE6B protein (p.Ala341Thr). This variant has not been reported in the literature in individuals affected with PDE6B-related conditions. Advanced modeling of protein sequence and biophysical properties (such as structural, functional, and spatial information, amino acid conservation, physicochemical variation, residue mobility, and thermodynamic stability) performed at Invitae indicates that this missense variant is not expected to disrupt PDE6B protein function. In summary, the available evidence is currently insufficient to determine the role of this variant in disease. Therefore, it has been classified as a Variant of Uncertain Significance.